The following is an entry in ClinVar:

ClinVar aggregate classification (germline): Uncertain significance (1 of 4 stars; one submission).

Conditions:
Malignant hyperthermia, susceptibility to, 1 (MHS1). Also called: Anesthesia related hyperthermia; Malignant hyperpyrexia; Fulminating hyperpyrexia; Pharmacogenic myopathy; RYR1-Related Malignant Hyperthermia Susceptibility; Malignant hyperthermia suceptibility 1. Identifiers: Orphanet 423, MedGen C2930980, MONDO:0007783, OMIM 145600.

Allele frequency attached by ClinVar (database versions not stated): gnomAD exomes below 0.00001.
gnomAD v4.1: 1 of 1,611,586 alleles (0.000062%); highest among the groups gnomAD compares: Non-Finnish European, 0.000085%; no homozygotes.

Submission:

All of Us Research Program, National Institutes of Health
Classification: Uncertain significance for Malignant hyperthermia, susceptibility to, 1. Last evaluated: 2023-07-19. Review status: criteria provided, single submitter. Criteria: ACMG Guidelines, 2015. Collection method: clinical testing. Allele origin: germline. Inheritance: Autosomal dominant inheritance. Observed: 1 variant allele, 1 heterozygote.
Comment: This variant is located in the RYR1 protein. To our knowledge, functional studies have not been reported for this variant. This variant has not been reported in individuals affected with RYR1-related disorders in the literature. This variant has not been identified in the general population by the Genome Aggregation Database (gnomAD). The available evidence is insufficient to determine the role of this variant in disease conclusively. Therefore, this variant is classified as a Variant of Uncertain Significance.

This study involves interpretation of variants in research participants for the purpose of population health screening. Participant phenotype was not available at the time of variant classification. Additional details can be found in publication PMID: 35346344, PMCID: PMC8962531

NM_000540.3(RYR1):c.6294G>A (p.Val2098=)

Gene: RYR1 (ryanodine receptor 1; plus strand). Cytogenetic location: 19q13.2.
Variant type: single nucleotide variant.
Coding change: c.6294G>A on transcript NM_000540.3 (MANE Select); coding-DNA position 6294, G replaced by A.
Protein change: p.Val2098=; no amino-acid change (valine 2098 retained).
Molecular consequence: synonymous variant.
Genome position (GRCh38, 1-based): chr19:38,494,371, G>A. VCF-style: chr19-38494371-G-A. GRCh37 (hg19) VCF-style: chr19-38985011-G-A.
Other names: c.6294G>A, p.Val2098= (NM_001042723.2).
Identifiers: ClinVar variation 3072479 (VCV003072479.1), dbSNP rs2514273928, ClinGen allele CA507242046.